The following is an entry in ClinVar:

NM_014003.4(DHX38):c.1882A>G (p.Met628Val)

Gene: DHX38 (DEAH-box helicase 38; plus strand). Cytogenetic location: 16q22.2.
Variant type: single nucleotide variant.
Coding change: c.1882A>G on transcript NM_014003.4 (MANE Select); coding-DNA position 1882, A replaced by G.
Protein change: p.Met628Val; replaces methionine 628 with valine.
Molecular consequence: missense variant.
Genome position (GRCh38, 1-based): chr16:72,104,003, A>G. VCF-style: chr16-72104003-A-G. GRCh37 (hg19) VCF-style: chr16-72137902-A-G.
Other names: short protein forms M628V.
Identifiers: ClinVar variation 2111806 (VCV002111806.3), dbSNP rs2507105489, ClinGen allele CA396709046.

ClinVar aggregate classification (germline): Uncertain significance (1 of 4 stars; one submission).

Allele frequency attached by ClinVar (database versions not stated): gnomAD exomes below 0.00001.

Submission:

Labcorp Genetics (formerly Invitae), Labcorp
Classification: Uncertain significance. Last evaluated: 2022-06-14. Review status: criteria provided, single submitter. Criteria: Invitae Variant Classification Sherloc (09022015). Collection method: clinical testing. Allele origin: germline.
Comment: In summary, the available evidence is currently insufficient to determine the role of this variant in disease. Therefore, it has been classified as a Variant of Uncertain Significance. Algorithms developed to predict the effect of missense changes on protein structure and function are either unavailable or do not agree on the potential impact of this missense change (SIFT: "Deleterious"; PolyPhen-2: "Probably Damaging"; Align-GVGD: "Class C15"). This variant has not been reported in the literature in individuals affected with DHX38-related conditions. This variant is not present in population databases (gnomAD no frequency). This sequence change replaces methionine, which is neutral and non-polar, with valine, which is neutral and non-polar, at codon 628 of the DHX38 protein (p.Met628Val).